The following is an entry in ClinVar:

ClinVar aggregate classification (germline): Likely pathogenic (1 of 4 stars; one submission).

Conditions:
Hereditary cancer-predisposing syndrome. Also called: Hereditary Cancer Syndrome; Neoplastic Syndromes, Hereditary; Tumor predisposition; Hereditary neoplastic syndrome. Identifiers: Orphanet 140162, MedGen C0027672, MeSH D009386, MONDO:0015356.

Submission:

Ambry Genetics
Classification: Likely pathogenic for Hereditary cancer-predisposing syndrome. Last evaluated: 2022-10-13. Review status: criteria provided, single submitter. Criteria: Ambry Variant Classification Scheme 2023. Collection method: clinical testing. Allele origin: germline.
Comment: The c.488dupG variant, located in coding exon 3 of the XRCC2 gene, results from a duplication of G at nucleotide position 488, causing a translational frameshift with a predicted alternate stop codon (p.E164Rfs*23). This alteration occurs at the 3' terminus of theXRCC2 gene, is not expected to trigger nonsense-mediated mRNA decay, and only impacts the last 117 amino acids, 42% of the protein. However, premature stop codons are typically deleterious in nature and a significant portion of the protein is affected (Ambry internal data). Based on the supporting evidence, this alteration is interpreted as a disease-causing mutation.

NM_005431.2(XRCC2):c.488dup (p.Glu164fs)

Gene: XRCC2 (X-ray repair cross complementing 2; minus strand). Cytogenetic location: 7q36.1.
Variant type: Duplication.
Coding change: c.488dup on transcript NM_005431.2 (MANE Select); coding-DNA position 488, one base duplicated (G; older notation c.488dupG).
Protein change: p.Glu164fs; shifts the reading frame from glutamic acid 164.
Molecular consequence: frameshift variant.
Genome position (GRCh38, 1-based): chr7:152,648,997, C duplicated on the plus strand (G on the coding strand, the reverse complement: XRCC2 is on the minus strand); the first of 2 consecutive C bases (chr7:152,648,997-152,648,998); duplicating either gives the same sequence. VCF-style (leftmost placement, unchanged base first): chr7-152648996-T-TC. GRCh37 (hg19) VCF-style: chr7-152346081-T-TC.
Other names: short protein forms E164fs.
Identifiers: ClinVar variation 1743849 (VCV001743849.2), dbSNP rs2485881210, ClinGen allele CA2580077745.